The following is an entry in ClinVar:

NM_002397.5(MEF2C):c.345C>G (p.Asp115Glu)

Gene: MEF2C (myocyte enhancer factor 2C; minus strand). Cytogenetic location: 5q14.3.
Variant type: single nucleotide variant.
Coding change: c.345C>G on transcript NM_002397.5 (MANE Select); coding-DNA position 345, C replaced by G.
Protein change: p.Asp115Glu; replaces aspartic acid 115 with glutamic acid.
Molecular consequence: missense variant. On other transcripts: 5 prime UTR variant (2), intron variant (12).
Genome position (GRCh38, 1-based): chr5:88,761,242, G>C on the plus strand (C>G on the coding strand, the complement: MEF2C is on the minus strand). VCF-style: chr5-88761242-G-C. GRCh37 (hg19) VCF-style: chr5-88057059-G-C.
Other names: c.345C>G (NM_002397.3); c.345C>G, p.Asp115Glu (NM_001193350.2, NM_001308002.3, NM_001363581.2 and 18 more transcripts); c.-34C>G (NM_001364353.2, NM_001364356.2); c.259-9199C>G (NM_001364344.2, NM_001364354.2, NM_001364332.2 and 3 more transcripts); c.259-117C>G (NM_001131005.2, NM_001364352.2, NM_001364343.2); c.318+27C>G (NM_001193347.1, NM_001364338.2); c.-24-9199C>G (NM_001364357.2); short protein forms D115E.
Identifiers: ClinVar variation 1922766 (VCV001922766.6), dbSNP rs2548166538, ClinGen allele CA360424543.

ClinVar aggregate classification (germline): Uncertain significance. Review status: criteria provided, multiple submitters, no conflicts (2 of 4 stars). 2 submissions from 2 submitters: Uncertain significance (2). Last evaluated 2024-12-02.

Conditions:
Neurodevelopmental disorder with hypotonia, stereotypic hand movements, and impaired language. Also called: Intellectual disability, autosomal dominant 20. Identifiers: Orphanet 228384, Orphanet 664410, MedGen C3150700, MONDO:0013266, OMIM 613443.

Submissions (2):

Labcorp Genetics (formerly Invitae), Labcorp
Classification: Uncertain significance for Neurodevelopmental disorder with hypotonia, stereotypic hand movements, and impaired language. Last evaluated: 2024-12-02. Review status: criteria provided, single submitter. Criteria: Invitae Variant Classification Sherloc (09022015). Collection method: clinical testing. Allele origin: germline.
Comment: This sequence change replaces aspartic acid, which is acidic and polar, with glutamic acid, which is acidic and polar, at codon 115 of the MEF2C protein (p.Asp115Glu). This variant is not present in population databases (gnomAD no frequency). This variant has not been reported in the literature in individuals affected with MEF2C-related conditions. ClinVar contains an entry for this variant (Variation ID: 1922766). Invitae Evidence Modeling of protein sequence and biophysical properties (such as structural, functional, and spatial information, amino acid conservation, physicochemical variation, residue mobility, and thermodynamic stability) indicates that this missense variant is not expected to disrupt MEF2C protein function with a negative predictive value of 95%. In summary, the available evidence is currently insufficient to determine the role of this variant in disease. Therefore, it has been classified as a Variant of Uncertain Significance.

GeneDx
Classification: Uncertain significance. Last evaluated: 2024-10-08. Review status: criteria provided, single submitter. Criteria: GeneDx Variant Classification Process June 2021. Collection method: clinical testing. Allele origin: germline. Affected: yes.
Comment: Not observed at significant frequency in large population cohorts (gnomAD); In silico analysis supports that this missense variant does not alter protein structure/function; Has not been previously published as pathogenic or benign to our knowledge